The following is an entry in ClinVar:

NM_003118.4(SPARC):c.387G>A (p.Lys129=)

Gene: SPARC (secreted protein acidic and cysteine rich; minus strand). Cytogenetic location: 5q33.1.
Variant type: single nucleotide variant.
Coding change: c.387G>A on transcript NM_003118.4 (MANE Select); coding-DNA position 387, G replaced by A.
Protein change: p.Lys129=; no amino-acid change (lysine 129 retained).
Molecular consequence: synonymous variant.
Genome position (GRCh38, 1-based): chr5:151,669,728, C>T on the plus strand (G>A on the coding strand, the complement: SPARC is on the minus strand). VCF-style: chr5-151669728-C-T. GRCh37 (hg19) VCF-style: chr5-151049289-C-T.
Other names: c.384G>A, p.Lys128= (NM_001309443.2); c.387G>A, p.Lys129= (NM_001309444.2).
Identifiers: ClinVar variation 3049227 (VCV003049227.2), dbSNP rs767715788, ClinGen allele CA3522713.
Genomic context (GRCh38, chr5:151,669,728, plus strand): 5'-GCAAGGCCCGATGTAGTCCAGGTGGAGCTTGTGGCCCTTCTTGGTGCCCTCCAGGGTGCA[C>T]TTTGTGGCAAAGAAGTGGCAGGAAGAGTCGAAGGTCTTGTTGTCATTGCTGCACACCTGT-3'
Protein context (NP_003109.1, residues 119-139): FDSSCHFFAT[Lys129=]CTLEGTKKGH

ClinVar aggregate classification (germline): Likely benign (0 of 4 stars; one submission).

Conditions:
SPARC-related disorder. Also called: SPARC-related condition.

Allele frequency attached by ClinVar (database versions not stated): gnomAD exomes below 0.00001; ExAC 0.00001; gnomAD 0.00002; TOPMed 0.00002.
gnomAD v4.1: 6 of 1,614,068 alleles (0.00037%); highest among the groups gnomAD compares: African/African-American, 0.0053%; no homozygotes.

Submission:

PreventionGenetics, part of Exact Sciences
Classification: Likely benign for SPARC-related condition. Last evaluated: 2019-12-16. Review status: no assertion criteria provided. Collection method: clinical testing. Allele origin: germline.
Comment: This variant is classified as likely benign based on ACMG/AMP sequence variant interpretation guidelines (Richards et al. 2015 PMID: 25741868, with internal and published modifications).